The following is an entry in ClinVar:

ClinVar aggregate classification (germline): Uncertain significance (1 of 4 stars; one submission).

Submission:

GeneDx
Classification: Uncertain significance. Last evaluated: 2026-06-25. Review status: criteria provided, single submitter. Criteria: GeneDx Variant Classification Process June 2021. Collection method: clinical testing. Allele origin: germline.
Comment: Not observed at significant frequency in large population cohorts (gnomAD); In silico analysis suggests that this missense variant does not alter protein structure/function; Has not been previously published as pathogenic or benign to our knowledge

NM_001326342.2(CELF2):c.254A>G (p.Asn85Ser)

Gene: CELF2 (CUGBP Elav-like family member 2; plus strand). Cytogenetic location: 10p14.
Variant type: single nucleotide variant.
Coding change: c.254A>G on transcript NM_001326342.2 (MANE Select); coding-DNA position 254, A replaced by G.
Protein change: p.Asn85Ser; replaces asparagine 85 with serine.
Molecular consequence: missense variant. On other transcripts: 5 prime UTR variant (4).
Genome position (GRCh38, 1-based): chr10:11,165,665, A>G. VCF-style: chr10-11165665-A-G. GRCh37 (hg19) VCF-style: chr10-11207628-A-G.
Other names: c.161A>G, p.Asn54Ser (NM_001025076.2, NM_001083591.1, NM_001326317.2 and 15 more transcripts); c.233A>G, p.Asn78Ser (NM_001025077.3, NM_001326331.2, NM_001326332.2 and 4 more transcripts); c.326A>G, p.Asn109Ser (NM_001326325.2); c.269A>G, p.Asn90Ser (NM_001326326.2, NM_001326327.2); c.-372A>G (NM_001326333.2); c.-18A>G (NM_001326338.2, NM_001326339.2); c.254A>G, p.Asn85Ser (NM_001326340.2, NM_001326341.2, NM_001326343.2 and 4 more transcripts); c.-289A>G (NM_001326346.2); and 1 more; short protein forms N109S, N54S, N62S, N78S, N85S, N90S.
Identifiers: ClinVar variation 3367914 (VCV003367914.2).